The following is an entry in ClinVar:

NM_032043.3(BRIP1):c.343C>T (p.Pro115Ser)

Gene: BRIP1 (BRCA1 interacting DNA helicase 1; minus strand). Cytogenetic location: 17q23.2.
Variant type: single nucleotide variant.
Coding change: c.343C>T on transcript NM_032043.3 (MANE Select); coding-DNA position 343, C replaced by T.
Protein change: p.Pro115Ser; replaces proline 115 with serine.
Molecular consequence: missense variant.
Genome position (GRCh38, 1-based): chr17:61,857,094, G>A on the plus strand (C>T on the coding strand, the complement: BRIP1 is on the minus strand). VCF-style: chr17-61857094-G-A. GRCh37 (hg19) VCF-style: chr17-59934455-G-A.
Other names: short protein forms P115S.
Identifiers: ClinVar variation 231411 (VCV000231411.15), dbSNP rs876659142, ClinGen allele CA10580884.
Genomic context (GRCh38, chr17:61,857,094, plus strand): 5'-TGACCCAGGCAAAATATAAATTACCTTGACAAGTTGATGAAGTGCCATTTCTTTCAGAAG[G>A]TGGTGTGCTTGGATAGTTGAAATGACGTGAAGTTCCTTGGTTCATGTCATTGTTTGTAAA-3'
Protein context (NP_114432.2, residues 105-125): SRHFNYPSTP[Pro115Ser]SERNGTSSTC

ClinVar aggregate classification (germline): Uncertain significance. Review status: criteria provided, multiple submitters, no conflicts (2 of 4 stars). 4 submissions from 4 submitters: Uncertain significance (4). Last evaluated 2026-01-26.

Conditions:
Hereditary cancer-predisposing syndrome. Also called: Hereditary Cancer Syndrome; Neoplastic Syndromes, Hereditary; Tumor predisposition; Hereditary neoplastic syndrome. Identifiers: Orphanet 140162, MedGen C0027672, MeSH D009386, MONDO:0015356.
Fanconi anemia complementation group J. Also called: BRIP1-Related Fanconi Anemia. Identifiers: Orphanet 84, MedGen C1836860, MONDO:0012187, OMIM 609054.
Familial cancer of breast. Also called: Hereditary breast cancer; hereditary breast carcinoma; BREAST CANCER, FAMILIAL. Identifiers: Orphanet 227535, MedGen C0346153, MONDO:0016419, OMIM 114480. Disease mechanism: loss of function.

Allele frequency attached by ClinVar (database versions not stated): gnomAD exomes below 0.00001.
gnomAD v4.1: 2 of 1,614,100 alleles (0.00012%); highest among the groups gnomAD compares: Admixed American, 0.0033%; no homozygotes.

Submissions (4):

Labcorp Genetics (formerly Invitae), Labcorp
Classification: Uncertain significance for Familial cancer of breast; Fanconi anemia complementation group J. Last evaluated: 2026-01-26. Review status: criteria provided, single submitter. Criteria: Invitae Variant Classification Sherloc (09022015). Collection method: clinical testing. Allele origin: germline.
Comment: This sequence change replaces proline, which is neutral and non-polar, with serine, which is neutral and polar, at codon 115 of the BRIP1 protein (p.Pro115Ser). This variant is not present in population databases (gnomAD no frequency). This variant has not been reported in the literature in individuals affected with BRIP1-related conditions. ClinVar contains an entry for this variant (Variation ID: 231411). Invitae Evidence Modeling of protein sequence and biophysical properties (such as structural, functional, and spatial information, amino acid conservation, physicochemical variation, residue mobility, and thermodynamic stability) indicates that this missense variant is not expected to disrupt BRIP1 protein function with a negative predictive value of 95%. In summary, the available evidence is currently insufficient to determine the role of this variant in disease. Therefore, it has been classified as a Variant of Uncertain Significance.

Ambry Genetics
Classification: Uncertain significance for Hereditary cancer-predisposing syndrome. Last evaluated: 2025-04-25. Review status: criteria provided, single submitter. Criteria: Ambry Variant Classification Scheme 2023. Collection method: clinical testing. Allele origin: germline.
Comment: The p.P115S variant (also known as c.343C>T), located in coding exon 3 of the BRIP1 gene, results from a C to T substitution at nucleotide position 343. The proline at codon 115 is replaced by serine, an amino acid with similar properties. This amino acid position is not well conserved in available vertebrate species. In addition, this alteration is predicted to be tolerated by in silico analysis. Since supporting evidence is limited at this time, the clinical significance of this alteration remains unclear.

GeneDx
Classification: Uncertain significance. Last evaluated: 2023-08-12. Review status: criteria provided, single submitter. Criteria: GeneDx Variant Classification Process June 2021. Collection method: clinical testing. Allele origin: germline. Affected: yes.
Comment: Not observed at significant frequency in large population cohorts (gnomAD); In silico analysis supports that this missense variant does not alter protein structure/function; Has not been previously published as pathogenic or benign to our knowledge; This variant is associated with the following publications: (PMID: 28452373, 29093764, 26921362)

Women's Health and Genetics/Laboratory Corporation of America, LabCorp
Classification: Uncertain significance. Last evaluated: 2018-03-12. Review status: criteria provided, single submitter. Criteria: LabCorp Variant Classification Summary - May 2015. Collection method: clinical testing. Allele origin: germline.
Comment: Variant summary: BRIP1 c.343C>T (p.Pro115Ser) results in a non-conservative amino acid change located in the Helicase superfamily 1/2, ATP-binding domain (IPR014001) of the encoded protein sequence. Four of five in-silico tools predict a benign effect of the variant on protein function. The variant was absent in 121408 control chromosomes. The available data on variant occurrences in the general population are insufficient to allow any conclusion about variant significance. To our knowledge, no occurrence of c.343C>T in individuals affected with Hereditary Breast and Ovarian Cancer and no experimental evidence demonstrating its impact on protein function have been reported. One clinical diagnostic laboratory has submitted clinical-significance assessments for this variant to ClinVar after 2014 without evidence for independent evaluation, and classified the variant as uncertain significance. Based on the evidence outlined above, the variant was classified as uncertain significance.